The following is an entry in ClinVar:

ClinVar aggregate classification (germline): Conflicting classifications of pathogenicity. Review status: criteria provided, conflicting classifications (1 of 4 stars). 2 submissions from 2 submitters: Likely pathogenic (1); Uncertain significance (1). Last evaluated 2025-04-22.

Allele frequency attached by ClinVar (database versions not stated): gnomAD exomes 0.00002 and 0.00001; gnomAD 0.00001; ESP Exome Variant Server 0.00008; TOPMed below 0.00001; ExAC 0.00003.
gnomAD v4.1: 18 of 1,614,022 alleles (0.0011%); highest among the groups gnomAD compares: East Asian, 0.0022%; no homozygotes.

Submissions (2):

GeneDx
Classification: Likely pathogenic. Last evaluated: 2025-04-22. Review status: criteria provided, single submitter. Criteria: GeneDx Variant Classification Process June 2021. Collection method: clinical testing. Allele origin: germline. Affected: yes.
Comment: Not observed at significant frequency in large population cohorts (gnomAD); In silico analysis supports that this missense variant has a deleterious effect on protein structure/function; Has not been previously published as pathogenic or benign to our knowledge; This variant is associated with the following publications: (PMID: 25471517, 24656866)

Labcorp Genetics (formerly Invitae), Labcorp
Classification: Uncertain significance. Last evaluated: 2021-09-01. Review status: criteria provided, single submitter. Criteria: Invitae Variant Classification Sherloc (09022015). Collection method: clinical testing. Allele origin: germline.

NM_005051.3(QARS1):c.1544G>A (p.Arg515Gln)

Gene: QARS1 (glutaminyl-tRNA synthetase 1; minus strand). Cytogenetic location: 3p21.31.
Variant type: single nucleotide variant.
Coding change: c.1544G>A on transcript NM_005051.3 (MANE Select); coding-DNA position 1544, G replaced by A.
Protein change: p.Arg515Gln; replaces arginine 515 with glutamine.
Molecular consequence: missense variant. On other transcripts: non-coding transcript variant (1).
Genome position (GRCh38, 1-based): chr3:49,099,414, C>T on the plus strand (G>A on the coding strand, the complement: QARS1 is on the minus strand). VCF-style: chr3-49099414-C-T. GRCh37 (hg19) VCF-style: chr3-49136847-C-T.
Other names: c.1511G>A, p.Arg504Gln (NM_001272073.2); short protein forms R515Q, R504Q.
Identifiers: ClinVar variation 544141 (VCV000544141.6), dbSNP rs377454880, ClinGen allele CA2391710.